The following is an entry in ClinVar:

NM_003392.7(WNT5A):c.496C>T (p.Arg166Cys)

Gene: WNT5A (Wnt family member 5A; minus strand). Cytogenetic location: 3p14.3.
Variant type: single nucleotide variant.
Coding change: c.496C>T on transcript NM_003392.7 (MANE Select); coding-DNA position 496, C replaced by T.
Protein change: p.Arg166Cys; replaces arginine 166 with cysteine.
Molecular consequence: missense variant.
Genome position (GRCh38, 1-based): chr3:55,474,525, G>A on the plus strand (C>T on the coding strand, the complement: WNT5A is on the minus strand). VCF-style: chr3-55474525-G-A. GRCh37 (hg19) VCF-style: chr3-55508553-G-A.
Other names: c.451C>T, p.Arg151Cys (NM_001256105.1, NM_001377271.1, NM_001377272.1); short protein forms R166C, R151C.
Identifiers: ClinVar variation 597718 (VCV000597718.11), dbSNP rs1559553986, ClinGen allele CA353275379.

ClinVar aggregate classification (germline): Uncertain significance. Review status: criteria provided, multiple submitters, no conflicts (2 of 4 stars). 2 submissions from 2 submitters: Uncertain significance (2). Last evaluated 2025-11-01.

Submissions (2):

CeGaT Center for Human Genetics Tuebingen
Classification: Uncertain significance. Last evaluated: 2025-11-01. Review status: criteria provided, single submitter. Criteria: CeGaT Center For Human Genetics Tuebingen Variant Classification Criteria Version 2. Collection method: clinical testing. Allele origin: germline. Affected: yes. Observed: 1 variant allele.
Comment: WNT5A: PM2, PP3

Eurofins Ntd Llc (ga)
Classification: Uncertain significance. Last evaluated: 2018-06-29. Review status: criteria provided, single submitter. Criteria: EGL ClinVar v180209 classification definitions. Collection method: clinical testing. Allele origin: germline. Observed: 1 variant allele, 1 homozygote.